The following is an entry in ClinVar:

NM_000742.4(CHRNA2):c.718T>C (p.Tyr240His)

Gene: CHRNA2 (cholinergic receptor nicotinic alpha 2 subunit; minus strand). Cytogenetic location: 8p21.2.
Variant type: single nucleotide variant.
Coding change: c.718T>C on transcript NM_000742.4 (MANE Select); coding-DNA position 718, T replaced by C.
Protein change: p.Tyr240His; replaces tyrosine 240 with histidine.
Molecular consequence: missense variant.
Genome position (GRCh38, 1-based): chr8:27,463,725, A>G on the plus strand (T>C on the coding strand, the complement: CHRNA2 is on the minus strand). VCF-style: chr8-27463725-A-G. GRCh37 (hg19) VCF-style: chr8-27321242-A-G.
Other names: c.241T>C, p.Tyr81His (NM_001347706.2, NM_001347705.2); c.124T>C, p.Tyr42His (NM_001347707.2, NM_001347708.2); c.673T>C, p.Tyr225His (NM_001282455.2); short protein forms Y225H, Y240H, Y42H, Y81H.
Identifiers: ClinVar variation 2658502 (VCV002658502.24), dbSNP rs2490541155, ClinGen allele CA370810943.

ClinVar aggregate classification (germline): Uncertain significance (1 of 4 stars; one submission).

Submission:

CeGaT Center for Human Genetics Tuebingen
Classification: Uncertain significance. Last evaluated: 2023-08-01. Review status: criteria provided, single submitter. Criteria: CeGaT Center For Human Genetics Tuebingen Variant Classification Criteria Version 2. Collection method: clinical testing. Allele origin: germline. Affected: yes. Observed: 1 variant allele.
Comment: CHRNA2: PM2